The following is an entry in ClinVar:

ClinVar aggregate classification (germline): Uncertain significance (1 of 4 stars; one submission).

Submission:

Illumina Laboratory Services, Illumina
Classification: Uncertain significance. Last evaluated: 2020-11-16. Review status: criteria provided, single submitter. Criteria: ICSL CNVClassificationCriteria Aug2020. Collection method: clinical testing. Allele origin: unknown.
Comment: This CNV is a 1.2 Mb duplication of 8p12 on chromosome 8, (seq[GRCh37]dup(8)(p12); chr8:g.32691933_33893567dup), and is of unknown inheritance. This CNV constitutes a gain encompassing five protein coding genes. Individuals with similar gains in this region have not been reported in the peer-reviewed literature. Based on the limited evidence currently available, this CNV is classified as a variant of uncertain significance.

GRCh37/hg19 8p12(chr8:32691933-33893567)x3

Genes: DUSP26 (dual specificity phosphatase 26; minus strand), FUT10 (fucosyltransferase 10; minus strand), MAK16 (MAK16 homolog; plus strand), RNF122 (ring finger protein 122; minus strand), TTI2 (TELO2 interacting protein 2; minus strand). Cytogenetic location: 8p12.
Variant type: copy number gain.
Change: copy number 3 (three copies instead of two) of chr8:32,691,933-33,893,567 (1.20 Mb, GRCh37 coordinates, 1-based), cytogenetic band 8p12.
Identifiers: ClinVar variation 988938 (VCV000988938.4).